The following is an entry in ClinVar:

ClinVar aggregate classification (germline): Conflicting classifications of pathogenicity. Review status: criteria provided, conflicting classifications (1 of 4 stars). 4 submissions from 4 submitters: Uncertain significance (3); Likely benign (1). Last evaluated 2025-12-15.

Conditions:
Hereditary cancer-predisposing syndrome. Also called: Hereditary Cancer Syndrome; Neoplastic Syndromes, Hereditary; Tumor predisposition; Hereditary neoplastic syndrome. Identifiers: Orphanet 140162, MedGen C0027672, MeSH D009386, MONDO:0015356.
Familial adenomatous polyposis 1 (FAP1). Also called: POLYPOSIS, ADENOMATOUS INTESTINAL; FAMILIAL ADENOMATOUS POLYPOSIS 1, ATTENUATED. Identifiers: MedGen C2713442, MONDO:0021056, OMIM 175100. Disease mechanism: loss of function.

Allele frequency attached by ClinVar (database versions not stated): ExAC 0.00001; gnomAD exomes 0.00001; TOPMed 0.00001.
gnomAD v4.1: 13 of 1,614,110 alleles (0.00081%); highest among the groups gnomAD compares: South Asian, 0.0033%; no homozygotes.

Submissions (4):

Labcorp Genetics (formerly Invitae), Labcorp
Classification: Uncertain significance for Familial adenomatous polyposis 1. Last evaluated: 2025-12-15. Review status: criteria provided, single submitter. Criteria: Invitae Variant Classification Sherloc (09022015). Collection method: clinical testing. Allele origin: germline.
Comment: This sequence change replaces isoleucine, which is neutral and non-polar, with valine, which is neutral and non-polar, at codon 345 of the APC protein (p.Ile345Val). This variant is present in population databases (rs767126766, gnomAD 0.006%). This variant has not been reported in the literature in individuals affected with APC-related conditions. ClinVar contains an entry for this variant (Variation ID: 2183451). Invitae Evidence Modeling of protein sequence and biophysical properties (such as structural, functional, and spatial information, amino acid conservation, physicochemical variation, residue mobility, and thermodynamic stability) indicates that this missense variant is not expected to disrupt APC protein function with a negative predictive value of 95%. In summary, the available evidence is currently insufficient to determine the role of this variant in disease. Therefore, it has been classified as a Variant of Uncertain Significance.

Ambry Genetics
Classification: Likely benign for Hereditary cancer-predisposing syndrome. Last evaluated: 2025-03-15. Review status: criteria provided, single submitter. Criteria: Ambry Variant Classification Scheme 2023. Collection method: clinical testing. Allele origin: germline.

Color Diagnostics, LLC DBA Color Health
Classification: Uncertain significance for Hereditary cancer-predisposing syndrome. Last evaluated: 2024-03-06. Review status: criteria provided, single submitter. Criteria: ACMG Guidelines, 2015. Collection method: clinical testing. Allele origin: germline.
Comment: This missense variant replaces isoleucine with valine at codon 345 of the APC protein. Computational prediction suggests that this variant may not impact protein structure and function (internally defined REVEL score threshold <= 0.5, PMID: 27666373). To our knowledge, functional studies have not been reported for this variant. This variant has not been reported in individuals affected with hereditary cancer in the literature. This variant has been identified in 2/251020 chromosomes in the general population by the Genome Aggregation Database (gnomAD). The available evidence is insufficient to determine the role of this variant in disease conclusively. Therefore, this variant is classified as a Variant of Uncertain Significance.

Baylor Genetics
Classification: Uncertain significance for Familial adenomatous polyposis 1. Last evaluated: 2023-11-27. Review status: criteria provided, single submitter. Criteria: ACMG Guidelines, 2015. Collection method: clinical testing. Allele origin: unknown.

NM_000038.6(APC):c.1033A>G (p.Ile345Val)

Gene: APC (APC regulator of Wnt signaling pathway; plus strand). Cytogenetic location: 5q22.2.
Variant type: single nucleotide variant.
Coding change: c.1033A>G on transcript NM_000038.6 (MANE Select); coding-DNA position 1033, A replaced by G.
Protein change: p.Ile345Val; replaces isoleucine 345 with valine.
Molecular consequence: missense variant. On other transcripts: intron variant (4).
Genome position (GRCh38, 1-based): chr5:112,819,065, A>G. VCF-style: chr5-112819065-A-G. GRCh37 (hg19) VCF-style: chr5-112154762-A-G.
Other names: c.1033A>G, p.Ile345Val (NM_001127510.3, NM_001354895.2, NM_001354896.2 and 4 more transcripts); c.979A>G, p.Ile327Val (NM_001127511.3); c.1063A>G, p.Ile355Val (NM_001354897.2, NM_001407446.1); c.958A>G, p.Ile320Val (NM_001354898.2, NM_001407451.1); c.949A>G, p.Ile317Val (NM_001354899.2, NM_001407452.1); c.856A>G, p.Ile286Val (NM_001354900.2, NM_001354901.2, NM_001407453.1); c.184A>G, p.Ile62Val (NM_001354906.2, NM_001407470.1); c.964-204A>G (NM_001354902.2); and 4 more; short protein forms I327V, I355V, I317V, I62V, I286V, I320V, I345V.
Identifiers: ClinVar variation 2183451 (VCV002183451.8), dbSNP rs767126766, ClinGen allele CA026653.